The following is an entry in ClinVar:

ClinVar aggregate classification (germline): Uncertain significance (0 of 4 stars; one submission).

Conditions:
GNE-related disorder. Also called: GNE-related condition.

Submission:

PreventionGenetics, part of Exact Sciences
Classification: Uncertain significance for GNE-related condition. Last evaluated: 2024-07-16. Review status: no assertion criteria provided. Collection method: clinical testing. Allele origin: germline.
Comment: The GNE c.1474G>A variant is predicted to result in the amino acid substitution p.Val492Ile. To our knowledge, this variant has not been reported in the literature or in a large population database, indicating this variant is rare. At this time, the clinical significance of this variant is uncertain due to the absence of conclusive functional and genetic evidence.

NM_005476.7(GNE):c.1381G>A (p.Val461Ile)

Gene: GNE (glucosamine (UDP-N-acetyl)-2-epimerase/N-acetylmannosamine kinase; minus strand). Cytogenetic location: 9p13.3.
Variant type: single nucleotide variant.
Coding change: c.1381G>A on transcript NM_005476.7 (MANE Select); coding-DNA position 1381, G replaced by A.
Protein change: p.Val461Ile; replaces valine 461 with isoleucine.
Molecular consequence: missense variant.
Genome position (GRCh38, 1-based): chr9:36,223,403, C>T on the plus strand (G>A on the coding strand, the complement: GNE is on the minus strand). VCF-style: chr9-36223403-C-T. GRCh37 (hg19) VCF-style: chr9-36223400-C-T.
Other names: c.1474G>A, p.Val492Ile (NM_001128227.3); c.1381G>A, p.Val461Ile (NM_001190383.3); c.1051G>A, p.Val351Ile (NM_001190384.3); c.1204G>A, p.Val402Ile (NM_001190388.2, NM_001374798.1); c.1228G>A, p.Val410Ile (NM_001374797.1); short protein forms V351I, V402I, V410I, V461I, V492I.
Identifiers: ClinVar variation 3344654 (VCV003344654.1).
Genomic context (GRCh38, chr9:36,223,403, plus strand): 5'-ATTTCTTGGATTTATAATTTACAATCTTACCTACTCCCAAAATTCTGCAGTTCAGTTTTA[C>T]AGCTTCTGCTGCAGCTTCCACACACATCTGTAGGATTAAATTAATCCTCTCTTCATAGGT-3'
Protein context (NP_005467.1, residues 451-471): QMCVEAAAEA[Val461Ile]KLNCRILGVG